The following is an entry in ClinVar:

ClinVar aggregate classification (germline): Uncertain significance. Review status: criteria provided, multiple submitters, no conflicts (2 of 4 stars). 6 submissions from 6 submitters: Uncertain significance (6). Last evaluated 2025-11-11.

Conditions:
TTN-related disorder. Also called: TTN-related condition; TTN-related disease; TTN-related disorders.
Cardiovascular phenotype. Identifiers: MedGen CN230736.
Early-onset myopathy with fatal cardiomyopathy (CMYO5). Also called: Salih Myopathy; CONGENITAL MYOPATHY 5 WITH CARDIOMYOPATHY. Identifiers: Orphanet 289377, MedGen C2673677, MONDO:0012714, OMIM 611705. Disease mechanism: loss of function.
Autosomal recessive limb-girdle muscular dystrophy type 2J (LGMDR10). Also called: Limb-girdle muscular dystrophy, type 2J; MUSCULAR DYSTROPHY, LIMB-GIRDLE, AUTOSOMAL RECESSIVE 10. Identifiers: Orphanet 140922, MedGen C1837342, MONDO:0012127, OMIM 608807.
Myopathy, myofibrillar, 9, with early respiratory failure (MFM9). Also called: EDSTROM MYOPATHY; MYOPATHY, PROXIMAL, WITH EARLY RESPIRATORY MUSCLE INVOLVEMENT; Myopathy, distal, with early respiratory failure, autosomal dominant; Hereditary myopathy with early respiratory failure. Identifiers: Orphanet 178464, Orphanet 34521, MedGen C1863599, MONDO:0011362, OMIM 603689.
Dilated cardiomyopathy 1G (CMD1G). Identifiers: Orphanet 154, MedGen C1858763, MONDO:0011400, OMIM 604145.
Tibial muscular dystrophy (TMD). Also called: Tibial muscular dystrophy, tardive; UDD MYOPATHY; Udd Distal Myopathy – Tibial Muscular Dystrophy. Identifiers: Orphanet 609, MedGen C1838244, MONDO:0010870, OMIM 600334.
Hypertrophic cardiomyopathy 9. Also called: Familial hypertrophic cardiomyopathy 9. Identifiers: MedGen C1861065, MONDO:0013412, OMIM 613765.
Cardiomyopathy (CMYO). Also called: Cardiomyopathies. Identifiers: Orphanet 167848, MedGen C0878544, MONDO:0004994, HP:0001638. Inheritance: Various modes of inheritance.

Allele frequency attached by ClinVar (database versions not stated): TOPMed below 0.00001; gnomAD exomes 0.00001; ExAC 0.00002; gnomAD 0.00002.
gnomAD v4.1: 21 of 1,613,732 alleles (0.0013%); highest among the groups gnomAD compares: Non-Finnish European, 0.0017%; no homozygotes.

Submissions (6):

PreventionGenetics, part of Exact Sciences
Classification: Uncertain significance for TTN-related condition. Last evaluated: 2025-11-11. Review status: criteria provided, single submitter. Criteria: ACMG Guidelines, 2015. Collection method: clinical testing. Allele origin: germline.
Comment: The TTN c.11567A>G variant is predicted to result in the amino acid substitution p.Asn3856Ser. To our knowledge, this variant has not been reported in the literature. This variant is reported in 0.0023% of alleles in individuals of European (Non-Finnish) descent in gnomAD. At this time, the clinical significance of this variant is uncertain due to the absence of conclusive functional and genetic evidence.

Fulgent Genetics
Classification: Uncertain significance for Tibial muscular dystrophy; Myopathy, myofibrillar, 9, with early respiratory failure; Dilated cardiomyopathy 1G; Autosomal recessive limb-girdle muscular dystrophy type 2J; Early-onset myopathy with fatal cardiomyopathy; Hypertrophic cardiomyopathy 9. Last evaluated: 2021-10-26. Review status: criteria provided, single submitter. Criteria: ACMG Guidelines, 2015. Collection method: clinical testing. Allele origin: unknown.

CHEO Genetics Diagnostic Laboratory, Children's Hospital of Eastern Ontario
Classification: Uncertain significance for Cardiomyopathy. Last evaluated: 2021-07-14. Review status: criteria provided, single submitter. Criteria: ACMG Guidelines, 2015. Collection method: clinical testing. Allele origin: germline.

CeGaT Center for Human Genetics Tuebingen
Classification: Uncertain significance. Last evaluated: 2019-03-01. Review status: criteria provided, single submitter. Criteria: CeGaT Center For Human Genetics Tuebingen Variant Classification Criteria Version 2. Collection method: clinical testing. Allele origin: germline. Affected: yes. Observed: 1 variant allele.

Ambry Genetics
Classification: Uncertain significance for Cardiovascular phenotype. Last evaluated: 2016-07-21. Review status: criteria provided, single submitter. Criteria: Ambry Variant Classification Scheme 2023. Collection method: clinical testing. Allele origin: germline.
Comment: The p.N3493S variant (also known as c.10478A>G), located in coding exon 44 of the TTN gene, results from an A to G substitution at nucleotide position 10478. The asparagine at codon 3493 is replaced by serine, an amino acid with highly similar properties, and is located in the I-band region of the N2-B isoform of the titin protein. This variant was previously reported in the SNPDatabase as rs765523683. Based on data from ExAC, the G allele has an overall frequency of less than 0.01% (2/105462). This variant was not reported in population based cohorts in the following databases: NHLBI Exome Sequencing Project (ESP) and 1000 Genomes Project. In the ESP, this variant was not observed in 6033 samples (12066 alleles) with coverage at this position. This amino acid position is well conserved in available vertebrate species. In addition, this alteration is predicted to be tolerated by in silico analysis. Since supporting evidence is limited at this time, the clinical significance of this alteration remains unclear.

GeneDx
Classification: Uncertain significance. Last evaluated: 2013-11-27. Review status: criteria provided, single submitter. Criteria: GeneDx Variant Classification (06012015). Collection method: clinical testing. Allele origin: germline. Affected: yes.
Comment: Missense variants in the TTN gene are considered 'unclassified' if they are not previously reported in the literature and do not have >1% frequency in the population to be considered a polymorphism. Research indicates that truncating mutations in the TTN gene are expected to account for approximately 25% of familial and 18% of sporadic idiopathic DCM; however, truncating variants in the TTN gene have been reported in approximately 3% of reported control alleles. There has been little investigation into non-truncating variants. (Herman D et al. Truncations of titin causing dilated cardiomyopathy. N Eng J Med 366:619-628, 2012) The variant is found in CARDIOMYOPATHY panel(s).

NM_001267550.2(TTN):c.11567A>G (p.Asn3856Ser)

Gene: TTN (titin; minus strand). Cytogenetic location: 2q31.2.
Variant type: single nucleotide variant.
Coding change: c.11567A>G on transcript NM_001267550.2 (MANE Select); coding-DNA position 11567, A replaced by G.
Protein change: p.Asn3856Ser; replaces asparagine 3856 with serine.
Molecular consequence: missense variant. On other transcripts: intron variant (1).
Genome position (GRCh38, 1-based): chr2:178,741,666, T>C on the plus strand (A>G on the coding strand, the complement: TTN is on the minus strand). VCF-style: chr2-178741666-T-C. GRCh37 (hg19) VCF-style: chr2-179606393-T-C.
Other names: p.N3539S:AAT>AGT; c.10616A>G, p.Asn3539Ser (NM_001256850.1); c.10478A>G, p.Asn3493Ser (NM_003319.4); c.10853A>G, p.Asn3618Ser (NM_133432.3); c.11054A>G, p.Asn3685Ser (NM_133437.4); c.10361-3306A>G (NM_133378.4); short protein forms N3539S, N3856S, N3493S, N3685S, N3618S.
Identifiers: ClinVar variation 203221 (VCV000203221.52), dbSNP rs765523683, ClinGen allele CA311722.